The following is an entry in ClinVar:

NM_138694.4(PKHD1):c.661del (p.Tyr221fs)

Gene: PKHD1 (PKHD1 ciliary IPT domain containing fibrocystin/polyductin; minus strand). Cytogenetic location: 6p12.2.
Variant type: Deletion.
Coding change: c.661del on transcript NM_138694.4 (MANE Select); coding-DNA position 661, one base deleted (T; older notation c.661delT).
Protein change: p.Tyr221fs; shifts the reading frame from tyrosine 221.
Molecular consequence: frameshift variant.
Genome position (GRCh38, 1-based): chr6:52,071,012, A deleted on the plus strand (T on the coding strand, the reverse complement: PKHD1 is on the minus strand). VCF-style (leftmost placement, unchanged base first): chr6-52071011-TA-T. GRCh37 (hg19) VCF-style: chr6-51935809-TA-T.
Other names: c.661del, p.Tyr221fs (NM_170724.3); short protein forms Y221fs.
Identifiers: ClinVar variation 1725193 (VCV001725193.2), dbSNP rs2533586171, ClinGen allele CA2580075529.

ClinVar aggregate classification (germline): Likely pathogenic (1 of 4 stars; one submission).

Conditions:
Polycystic kidney disease 4 (PKD4). Also called: POLYCYSTIC KIDNEY AND HEPATIC DISEASE 1; POLYCYSTIC KIDNEY DISEASE, INFANTILE, TYPE I; POLYCYSTIC KIDNEY DISEASE 4 WITH OR WITHOUT POLYCYSTIC LIVER DISEASE; PKD3; Autosomal Recessive Polycystic Kidney Disease – PKHD1. Identifiers: MedGen C4540575, MONDO:0033004, OMIM 263200.

Submission:

Myriad Genetics, Inc.
Classification: Likely pathogenic for Polycystic kidney disease 4. Last evaluated: 2022-03-14. Review status: criteria provided, single submitter. Criteria: Myriad Women's Health Autosomal Recessive and X-Linked Classification Criteria (2021). Collection method: clinical testing. Allele origin: unknown.
Comment: NM_138694.3(PKHD1):c.661delT(Y221Tfs*25) is expected to be pathogenic in the context of autosomal recessive polycystic kidney disease, PKHD1-related. This variant is predicted to lead to an abnormal or absent protein product due to the creation of a premature termination codon in PKHD1, a gene where loss-of-function variants are known to be pathogenic. Please note: this variant was assessed in the context of healthy population screening.